The following is an entry in ClinVar:

NM_000204.5(CFI):c.605G>T (p.Arg202Ile)

Gene: CFI (complement factor I; minus strand). Cytogenetic location: 4q25.
Variant type: single nucleotide variant.
Coding change: c.605G>T on transcript NM_000204.5 (MANE Select); coding-DNA position 605, G replaced by T.
Protein change: p.Arg202Ile; replaces arginine 202 with isoleucine.
Molecular consequence: missense variant. On other transcripts: 5 prime UTR variant (1), non-coding transcript variant (3).
Genome position (GRCh38, 1-based): chr4:109,761,570, C>A on the plus strand (G>T on the coding strand, the complement: CFI is on the minus strand). VCF-style: chr4-109761570-C-A. GRCh37 (hg19) VCF-style: chr4-110682726-C-A.
Other names: c.605G>T, p.Arg202Ile (NM_001318057.2, NM_001331035.2, NM_001375278.1 and 10 more transcripts); c.-5G>T (NM_001375284.1); short protein forms R202I.
Identifiers: ClinVar variation 4280532 (VCV004280532.1).

ClinVar aggregate classification (germline): Likely pathogenic, low penetrance (1 of 4 stars; one submission).

Conditions:
CFI-related disorder. Also called: CFI-related condition; CFI-related disorders. Identifiers: MedGen CN239325.

Submission:

Genomenon, Inc
Classification: Likely pathogenic, low penetrance for CFI-related disorder. Last evaluated: 2025-09-26. Review status: criteria provided, single submitter. Criteria: Genomenon Sequence Variant Interpretation Standards - Updated. Collection method: curation. Allele origin: germline. Affected: no.
Comment: CFI p.Arg202Ile (c.605G>T) is a missense variant that changes the amino acid at residue 202 from Arginine to Isoleucine. To our knowledge, this variant has not been reported in patients affected with CFI-related disorders in the published literature. At least one functional study has demonstrated a substantial alteration in protein function relative to the wild-type (PMID:35531992). It is absent or not present at a significant frequency in gnomAD. In silico models agree that this variant is not damaging. In conclusion, we classify CFI p.Arg202Ile (c.605G>T) as a likely pathogenic, low penetrance variant.

Literature cited by the submitters: PubMed 35531992.